The following is an entry in ClinVar:

NM_001369268.1(ACAN):c.747G>C (p.Glu249Asp)

Gene: ACAN (aggrecan; plus strand). Cytogenetic location: 15q26.1.
Variant type: single nucleotide variant.
Coding change: c.747G>C on transcript NM_001369268.1 (MANE Select); coding-DNA position 747, G replaced by C.
Protein change: p.Glu249Asp; replaces glutamic acid 249 with aspartic acid.
Molecular consequence: missense variant.
Genome position (GRCh38, 1-based): chr15:88,841,857, G>C. VCF-style: chr15-88841857-G-C. GRCh37 (hg19) VCF-style: chr15-89385088-G-C.
Other names: c.747G>C (NM_013227.3); c.747G>C, p.Glu249Asp (NM_001135.4, NM_013227.4); short protein forms E249D.
Identifiers: ClinVar variation 1418361 (VCV001418361.7), dbSNP rs768804104, ClinGen allele CA393706151.

ClinVar aggregate classification (germline): Uncertain significance. Review status: criteria provided, multiple submitters, no conflicts (2 of 4 stars). 2 submissions from 2 submitters: Uncertain significance (2). Last evaluated 2025-06-02.

Conditions:
Inborn genetic diseases. Identifiers: MedGen C0950123, MeSH D030342.

Allele frequency attached by ClinVar (database versions not stated): gnomAD 0.00001; TOPMed 0.00001.
gnomAD v4.1: 3 of 1,612,346 alleles (0.00019%); highest among the groups gnomAD compares: Admixed American, 0.0033%; no homozygotes.

Submissions (2):

Labcorp Genetics (formerly Invitae), Labcorp
Classification: Uncertain significance. Last evaluated: 2025-06-02. Review status: criteria provided, single submitter. Criteria: Invitae Variant Classification Sherloc (09022015). Collection method: clinical testing. Allele origin: germline.
Comment: This sequence change replaces glutamic acid, which is acidic and polar, with aspartic acid, which is acidic and polar, at codon 249 of the ACAN protein (p.Glu249Asp). This variant is present in population databases (no rsID available, gnomAD 0.1%). This variant has not been reported in the literature in individuals affected with ACAN-related conditions. ClinVar contains an entry for this variant (Variation ID: 1418361). Invitae Evidence Modeling of protein sequence and biophysical properties (such as structural, functional, and spatial information, amino acid conservation, physicochemical variation, residue mobility, and thermodynamic stability) indicates that this missense variant is not expected to disrupt ACAN protein function with a negative predictive value of 80%. In summary, the available evidence is currently insufficient to determine the role of this variant in disease. Therefore, it has been classified as a Variant of Uncertain Significance.

Ambry Genetics
Classification: Uncertain significance for Inborn genetic diseases. Last evaluated: 2022-10-04. Review status: criteria provided, single submitter. Criteria: Ambry Variant Classification Scheme 2023. Collection method: clinical testing. Allele origin: germline.